The following is an entry in ClinVar:

ClinVar aggregate classification (germline): Uncertain significance (1 of 4 stars; one submission).

Allele frequency attached by ClinVar (database versions not stated): ExAC 0.00003; gnomAD exomes 0.00003 and 0.00004; gnomAD 0.00011 and 0.00016; TOPMed 0.00014; ESP Exome Variant Server 0.00015; 1000 Genomes Project 0.00020; 1000 Genomes Project 30x 0.00031.
gnomAD v4.1: 67 of 1,614,164 alleles (0.0042%); highest among the groups gnomAD compares: African/African-American, 0.047%; no homozygotes.

Submission:

Labcorp Genetics (formerly Invitae), Labcorp
Classification: Uncertain significance. Last evaluated: 2024-04-23. Review status: criteria provided, single submitter. Criteria: Invitae Variant Classification Sherloc (09022015). Collection method: clinical testing. Allele origin: germline.
Comment: This sequence change replaces cysteine, which is neutral and slightly polar, with arginine, which is basic and polar, at codon 696 of the CHUK protein (p.Cys696Arg). This variant is present in population databases (rs79119174, gnomAD 0.03%). This variant has not been reported in the literature in individuals affected with CHUK-related conditions. ClinVar contains an entry for this variant (Variation ID: 1438153). Algorithms developed to predict the effect of missense changes on protein structure and function output the following: SIFT: "Not Available"; PolyPhen-2: "Benign"; Align-GVGD: "Not Available". The arginine amino acid residue is found in multiple mammalian species, which suggests that this missense change does not adversely affect protein function. In summary, the available evidence is currently insufficient to determine the role of this variant in disease. Therefore, it has been classified as a Variant of Uncertain Significance.

NM_001278.5(CHUK):c.2086T>C (p.Cys696Arg)

Gene: CHUK (component of inhibitor of nuclear factor kappa B kinase complex; minus strand). Cytogenetic location: 10q24.31.
Variant type: single nucleotide variant.
Coding change: c.2086T>C on transcript NM_001278.5 (MANE Select); coding-DNA position 2086, T replaced by C.
Protein change: p.Cys696Arg; replaces cysteine 696 with arginine.
Molecular consequence: missense variant.
Genome position (GRCh38, 1-based): chr10:100,193,320, A>G on the plus strand (T>C on the coding strand, the complement: CHUK is on the minus strand). VCF-style: chr10-100193320-A-G. GRCh37 (hg19) VCF-style: chr10-101953077-A-G.
Other names: c.2086T>C, p.Cys696Arg (NM_001320928.2); short protein forms C696R.
Identifiers: ClinVar variation 1438153 (VCV001438153.7), dbSNP rs79119174, ClinGen allele CA5646271.